The following is an entry in ClinVar:

ClinVar aggregate classification (germline): Pathogenic (1 of 4 stars; one submission).

Conditions:
Familial hemiplegic migraine. Identifiers: MedGen C0338484, MONDO:0000700.

Submission:

Labcorp Genetics (formerly Invitae), Labcorp
Classification: Pathogenic for Familial hemiplegic migraine. Last evaluated: 2022-09-19. Review status: criteria provided, single submitter. Criteria: Invitae Variant Classification Sherloc (09022015). Collection method: clinical testing. Allele origin: germline.
Comment: For these reasons, this variant has been classified as Pathogenic. ClinVar contains an entry for this variant (Variation ID: 956547). This variant has not been reported in the literature in individuals affected with ATP1A2-related conditions. This variant is not present in population databases (gnomAD no frequency). This sequence change creates a premature translational stop signal (p.Asn63Thrfs*107) in the ATP1A2 gene. It is expected to result in an absent or disrupted protein product. Loss-of-function variants in ATP1A2 are known to be pathogenic (PMID: 30690204).

Literature cited by the submitters: PubMed 30690204.

NM_000702.4(ATP1A2):c.188del (p.Asn63fs)

Gene: ATP1A2 (ATPase Na+/K+ transporting subunit alpha 2; plus strand). Cytogenetic location: 1q23.2.
Variant type: Deletion.
Coding change: c.188del on transcript NM_000702.4 (MANE Select); coding-DNA position 188, one base deleted (A; older notation c.188delA).
Protein change: p.Asn63fs; shifts the reading frame from asparagine 63.
Molecular consequence: frameshift variant.
Genome position (GRCh38, 1-based): chr1:160,123,223, A deleted; the last of 2 consecutive A bases (chr1:160,123,222-160,123,223); deleting either gives the same sequence. VCF-style (leftmost placement, unchanged base first): chr1-160123221-CA-C. GRCh37 (hg19) VCF-style: chr1-160093011-CA-C.
Other names: short protein forms N63fs.
Identifiers: ClinVar variation 956547 (VCV000956547.7), dbSNP rs1651475047, ClinGen allele CA1139656389.